The following is an entry in ClinVar:

ClinVar aggregate classification (germline): Uncertain significance. Review status: criteria provided, multiple submitters, no conflicts (2 of 4 stars). 2 submissions from 2 submitters: Uncertain significance (2). Last evaluated 2022-07-28.

Conditions:
Inborn genetic diseases. Identifiers: MedGen C0950123, MeSH D030342.

Allele frequency attached by ClinVar (database versions not stated): ExAC 0.00001; gnomAD exomes 0.00003; TOPMed 0.00004; gnomAD 0.00005.
gnomAD v4.1: 57 of 1,613,472 alleles (0.0035%); highest among the groups gnomAD compares: African/African-American, 0.0053%; no homozygotes.

Submissions (2):

Labcorp Genetics (formerly Invitae), Labcorp
Classification: Uncertain significance. Last evaluated: 2022-07-28. Review status: criteria provided, single submitter. Criteria: Invitae Variant Classification Sherloc (09022015). Collection method: clinical testing. Allele origin: germline.
Comment: This sequence change replaces alanine, which is neutral and non-polar, with valine, which is neutral and non-polar, at codon 300 of the ASCC1 protein (p.Ala300Val). This variant is present in population databases (rs774939192, gnomAD 0.004%). This variant has not been reported in the literature in individuals affected with ASCC1-related conditions. Algorithms developed to predict the effect of missense changes on protein structure and function are either unavailable or do not agree on the potential impact of this missense change (SIFT: "Deleterious"; PolyPhen-2: "Benign"; Align-GVGD: "Class C0"). In summary, the available evidence is currently insufficient to determine the role of this variant in disease. Therefore, it has been classified as a Variant of Uncertain Significance.

Ambry Genetics
Classification: Uncertain significance for Inborn genetic diseases. Last evaluated: 2021-07-13. Review status: criteria provided, single submitter. Criteria: Ambry Variant Classification Scheme 2023. Collection method: clinical testing. Allele origin: germline.

NM_001198800.3(ASCC1):c.899C>T (p.Ala300Val)

Gene: ASCC1 (activating signal cointegrator 1 complex subunit 1; minus strand). Cytogenetic location: 10q22.1.
Variant type: single nucleotide variant.
Coding change: c.899C>T on transcript NM_001198800.3 (MANE Select); coding-DNA position 899, C replaced by T.
Protein change: p.Ala300Val; replaces alanine 300 with valine.
Molecular consequence: missense variant. On other transcripts: non-coding transcript variant (1), intron variant (3).
Genome position (GRCh38, 1-based): chr10:72,128,140, G>A on the plus strand (C>T on the coding strand, the complement: ASCC1 is on the minus strand). VCF-style: chr10-72128140-G-A. GRCh37 (hg19) VCF-style: chr10-73887898-G-A.
Other names: c.899C>T, p.Ala300Val (NM_001198798.2, NM_001369087.1, NM_001369088.1 and 10 more transcripts); c.983C>T, p.Ala328Val (NM_001198799.3); c.965C>T, p.Ala322Val (NM_001369085.1, NM_001369086.1); c.845C>T, p.Ala282Val (NM_001369099.1); c.779C>T, p.Ala260Val (NM_001369100.1, NM_001369103.1, NM_001369104.1 and 2 more transcripts); c.782C>T, p.Ala261Val (NM_001369101.1, NM_001369102.1, NM_001369105.1 and 2 more transcripts); c.751+4917C>T (NM_001369112.1); c.871+4917C>T (NM_001369110.1, NM_001369111.1); and 1 more; short protein forms A260V, A328V, A261V, A282V, A300V, A322V.
Identifiers: ClinVar variation 2170800 (VCV002170800.3), dbSNP rs774939192, ClinGen allele CA5548882.
Genomic context (GRCh38, chr10:72,128,140, plus strand): 5'-ACCTTTAAAATATTTCGGCCATCAAATGATTCTCTTTCCTTGAAGATATATTTGCCTTCC[G>A]CTGTGTAGAGATTGTACCTGCCTTCAGCTGTAAATATTCCAAAGATAATGTTAGAAGCTT-3'
Protein context (NP_001185729.1, residues 290-310): NAEGRYNLYT[Ala300Val]EGKYIFKERE